The following is an entry in ClinVar:

ClinVar aggregate classification (germline): Likely benign. Review status: criteria provided, single submitter (1 of 4 stars). 2 submissions from 2 submitters: Likely benign (1). 1 of the submissions does not count toward it. Last evaluated 2026-01-25.

Conditions:
BBS4-related disorder. Also called: BBS4-related condition.
Bardet-Biedl syndrome (BBS). Identifiers: Orphanet 110, MedGen C0752166, MONDO:0015229.

Allele frequency attached by ClinVar (database versions not stated): TOPMed 0.00002; gnomAD 0.00003; ESP Exome Variant Server 0.00008.
gnomAD v4.1: 5 of 1,614,028 alleles (0.00031%); highest among the groups gnomAD compares: Non-Finnish European, 0.00042%; no homozygotes.

Submissions (2):

Labcorp Genetics (formerly Invitae), Labcorp
Classification: Likely benign for Bardet-Biedl syndrome. Last evaluated: 2026-01-25. Review status: criteria provided, single submitter. Criteria: Invitae Variant Classification Sherloc (09022015). Collection method: clinical testing. Allele origin: germline.

PreventionGenetics, part of Exact Sciences
Classification: Likely benign for BBS4-related condition. Last evaluated: 2022-08-25. Review status: no assertion criteria provided. Collection method: clinical testing. Allele origin: germline. Not counted in ClinVar's aggregate classification.
Comment: This variant is classified as likely benign based on ACMG/AMP sequence variant interpretation guidelines (Richards et al. 2015 PMID: 25741868, with internal and published modifications).

NM_033028.5(BBS4):c.1270T>C (p.Leu424=)

Gene: BBS4 (Bardet-Biedl syndrome 4; plus strand). Cytogenetic location: 15q24.1.
Variant type: single nucleotide variant.
Coding change: c.1270T>C on transcript NM_033028.5 (MANE Select); coding-DNA position 1270, T replaced by C.
Protein change: p.Leu424=; no amino-acid change (leucine 424 retained).
Molecular consequence: synonymous variant. On other transcripts: non-coding transcript variant (2).
Genome position (GRCh38, 1-based): chr15:72,736,783, T>C. VCF-style: chr15-72736783-T-C. GRCh37 (hg19) VCF-style: chr15-73029124-T-C.
Other names: c.754T>C, p.Leu252= (NM_001252678.2); c.1201T>C, p.Leu401= (NM_001320665.2); c.1270T>C (NM_033028.4).
Identifiers: ClinVar variation 1634088 (VCV001634088.9), dbSNP rs376011637, ClinGen allele CA7646982.